The following is an entry in ClinVar:

NM_021076.4(NEFH):c.727G>A (p.Gly243Ser)

Gene: NEFH (neurofilament heavy chain; plus strand). Cytogenetic location: 22q12.2.
Variant type: single nucleotide variant.
Coding change: c.727G>A on transcript NM_021076.4 (MANE Select); coding-DNA position 727, G replaced by A.
Protein change: p.Gly243Ser; replaces glycine 243 with serine.
Molecular consequence: missense variant.
Genome position (GRCh38, 1-based): chr22:29,480,989, G>A. VCF-style: chr22-29480989-G-A. GRCh37 (hg19) VCF-style: chr22-29876978-G-A.
Other names: p.Gly243Ser; short protein forms G243S.
Identifiers: ClinVar variation 1535707 (VCV001535707.33), dbSNP rs548521745, ClinGen allele CA10174029.

ClinVar aggregate classification (germline): Conflicting classifications of pathogenicity. Review status: criteria provided, conflicting classifications (1 of 4 stars). 5 submissions from 5 submitters: Uncertain significance (2); Likely benign (2). 1 of the submissions does not count toward it. Last evaluated 2025-12-17.

Conditions:
NEFH-related disorder. Also called: NEFH-related condition.
Inborn genetic diseases. Identifiers: MedGen C0950123, MeSH D030342.

Submissions (5):

Labcorp Genetics (formerly Invitae), Labcorp
Classification: Likely benign. Last evaluated: 2025-12-17. Review status: criteria provided, single submitter. Criteria: Invitae Variant Classification Sherloc (09022015). Collection method: clinical testing. Allele origin: germline.

Mayo Clinic Laboratories, Mayo Clinic
Classification: Uncertain significance. Last evaluated: 2025-05-11. Review status: criteria provided, single submitter. Criteria: ACMG Guidelines, 2015. Collection method: clinical testing. Allele origin: germline. Observed: 2 variant alleles.
Comment: BP4

CeGaT Center for Human Genetics Tuebingen
Classification: Uncertain significance. Last evaluated: 2024-02-01. Review status: criteria provided, single submitter. Criteria: CeGaT Center For Human Genetics Tuebingen Variant Classification Criteria Version 2. Collection method: clinical testing. Allele origin: germline. Affected: yes. Observed: 1 variant allele.
Comment: NEFH: PP2, BP4

Ambry Genetics
Classification: Likely benign for Inborn genetic diseases. Last evaluated: 2019-12-31. Review status: criteria provided, single submitter. Criteria: Ambry Variant Classification Scheme 2023. Collection method: clinical testing. Allele origin: germline.

PreventionGenetics, part of Exact Sciences
Classification: Likely benign for NEFH-related condition. Last evaluated: 2024-03-01. Review status: no assertion criteria provided. Collection method: clinical testing. Allele origin: germline. Not counted in ClinVar's aggregate classification.
Comment: This variant is classified as likely benign based on ACMG/AMP sequence variant interpretation guidelines (Richards et al. 2015 PMID: 25741868, with internal and published modifications).